The following is an entry in ClinVar:

NM_000540.3(RYR1):c.4617C>T (p.Phe1539=)

Gene: RYR1 (ryanodine receptor 1; plus strand). Cytogenetic location: 19q13.2.
Variant type: single nucleotide variant.
Coding change: c.4617C>T on transcript NM_000540.3 (MANE Select); coding-DNA position 4617, C replaced by T.
Protein change: p.Phe1539=; no amino-acid change (phenylalanine 1539 retained).
Molecular consequence: synonymous variant.
Genome position (GRCh38, 1-based): chr19:38,478,597, C>T. VCF-style: chr19-38478597-C-T. GRCh37 (hg19) VCF-style: chr19-38969237-C-T.
Other names: c.4617C>T, p.Phe1539= (NM_001042723.2).
Identifiers: ClinVar variation 3387718 (VCV003387718.1).
Genomic context (GRCh38, chr19:38,478,597, plus strand): 5'-GGACTTGGCCACTGGCTTAATGACCTTTACAGCCAATGGCAAAGAGAGCAACACCTTTTT[C>T]CAGGTGAGTCCAGGCCACAGCAATTTAGCGAGAGCATCATGTCCCAGCATCCCAGGACAG-3'
Protein context (NP_000531.2, residues 1529-1549): TANGKESNTF[Phe1539=]QVEPNTKLFP

ClinVar aggregate classification (germline): Likely benign (1 of 4 stars; one submission).

Conditions:
Malignant hyperthermia, susceptibility to, 1 (MHS1). Also called: Anesthesia related hyperthermia; Malignant hyperpyrexia; Fulminating hyperpyrexia; Pharmacogenic myopathy; RYR1-Related Malignant Hyperthermia Susceptibility; Malignant hyperthermia suceptibility 1. Identifiers: Orphanet 423, MedGen C2930980, MONDO:0007783, OMIM 145600.

gnomAD v4.1: 4 of 1,610,064 alleles (0.00025%); highest among the groups gnomAD compares: Non-Finnish European, 0.00034%; no homozygotes.

Submission:

All of Us Research Program, National Institutes of Health
Classification: Likely benign for Malignant hyperthermia, susceptibility to, 1. Last evaluated: 2024-07-20. Review status: criteria provided, single submitter. Criteria: ACMG Guidelines, 2015. Collection method: clinical testing. Allele origin: germline. Inheritance: Autosomal dominant inheritance. Observed: 1 variant allele, 1 heterozygote.
Comment: This study involves interpretation of variants in research participants for the purpose of population health screening. Participant phenotype was not available at the time of variant classification. Additional details can be found in publication PMID: 35346344, PMCID: PMC8962531